The following is an entry in ClinVar:

NM_013382.7(POMT2):c.-47_-44del

Genes: POMT2 (protein O-mannosyltransferase 2; minus strand), LOC130056177 (ATAC-STARR-seq lymphoblastoid silent region 5970; plus strand). Cytogenetic location: 14q24.3.
Variant type: Deletion.
Coding change: c.-47_-44del on transcript NM_013382.7 (MANE Select); 47 bases upstream of the start codon through 44 bases upstream of the start codon, 4 bases deleted (GACA; older notation c.-47_-44delGACA).
Molecular consequence: 5 prime UTR variant.
Genome position (GRCh38, 1-based): chr14:77,320,725-77,320,728, TGTC deleted on the plus strand (GACA on the coding strand, the reverse complement: POMT2 is on the minus strand); deleting any 4 consecutive bases within chr14:77,320,725-77,320,730 gives the same sequence; the c. name uses the placement nearest the transcript's 3' end. VCF-style (leftmost placement, unchanged base first): chr14-77320724-TTGTC-T. GRCh37 (hg19) VCF-style: chr14-77787067-TTGTC-T.
Other names: c.-47_-44delGACA (NM_013382.5).
Identifiers: ClinVar variation 162596 (VCV000162596.5), dbSNP rs368351148, ClinGen allele CA295433.

ClinVar aggregate classification (germline): Benign (1 of 4 stars; one submission).

Conditions:
Congenital muscular dystrophy. Identifiers: Orphanet 97242, MedGen C0699743, MONDO:0019950. Disease mechanism: loss of function.

Submission:

GeneDx
Classification: Benign for Congenital muscular dystrophy. Last evaluated: 2014-04-01. Review status: criteria provided, single submitter. Criteria: GeneDx Variant Classification (06012015). Collection method: clinical testing. Allele origin: germline. Affected: yes.
Comment: The variant is found in CORTICAL-BRAIN, BRAINMALFORMATION panel(s).